The following is an entry in ClinVar:

ClinVar aggregate classification (germline): Uncertain significance (1 of 4 stars; one submission).

Submission:

Labcorp Genetics (formerly Invitae), Labcorp
Classification: Uncertain significance. Last evaluated: 2025-05-04. Review status: criteria provided, single submitter. Criteria: Invitae Variant Classification Sherloc (09022015). Collection method: clinical testing. Allele origin: germline.
Comment: This sequence change falls in intron 9 of the ZFHX3 gene. It does not directly change the encoded amino acid sequence of the ZFHX3 protein. It affects a nucleotide within the consensus splice site. This variant is not present in population databases (gnomAD no frequency). This variant has not been reported in the literature in individuals affected with ZFHX3-related conditions. Variants that disrupt the consensus splice site are a relatively common cause of aberrant splicing (PMID: 17576681, 9536098). Algorithms developed to predict the effect of sequence changes on RNA splicing suggest that this variant may disrupt the consensus splice site. In summary, the available evidence is currently insufficient to determine the role of this variant in disease. Therefore, it has been classified as a Variant of Uncertain Significance.

Literature cited by the submitters: PubMed 17576681; PubMed 9536098.

NM_006885.4(ZFHX3):c.9427+5G>A

Genes: ZFHX3 (zinc finger homeobox 3; minus strand), ZFHX3-AS1 (ZFHX3 antisense RNA 1; plus strand). Cytogenetic location: 16q22.2.
Variant type: single nucleotide variant.
Coding change: c.9427+5G>A on transcript NM_006885.4 (MANE Select); 5 bases into the intron after coding-DNA position 9427, G replaced by A.
Molecular consequence: intron variant.
Genome position (GRCh38, 1-based): chr16:72,793,250, C>T on the plus strand (G>A on the coding strand, the complement: ZFHX3 is on the minus strand). VCF-style: chr16-72793250-C-T. GRCh37 (hg19) VCF-style: chr16-72827149-C-T.
Other names: c.9427+5G>A (NM_001386735.1); c.6685+5G>A (NM_001164766.2).
Identifiers: ClinVar variation 4718898 (VCV004718898.1).